The following is an entry in ClinVar:

ClinVar aggregate classification (germline): Benign. Review status: criteria provided, multiple submitters, no conflicts (2 of 4 stars). 2 submissions from 2 submitters: Benign (2). Last evaluated 2018-01-12.

Conditions:
Congenital vertical talus. Also called: PES VALGUS, CONGENITAL CONVEX; Rocker-bottom foot deformity. Identifiers: Orphanet 178382, MedGen C0240912, MONDO:0008652, OMIM 192950, HP:0001838.

Allele frequency attached by ClinVar (database versions not stated): 1000 Genomes Project 0.00739; 1000 Genomes Project 30x 0.00843; gnomAD 0.01275 and 0.01364; TOPMed 0.01292; ESP Exome Variant Server 0.01408; gnomAD exomes 0.01430; ExAC 0.01547.
gnomAD v4.1: 27,673 of 1,598,680 alleles (1.7%); highest among the groups gnomAD compares: Non-Finnish European, 2%; 262 homozygotes.

Submissions (2):

Illumina Laboratory Services, Illumina
Classification: Benign for Congenital vertical talus. Last evaluated: 2018-01-12. Review status: criteria provided, single submitter. Criteria: ICSL Variant Classification Criteria 13 December 2019. Collection method: clinical testing. Allele origin: germline.
Comment: This variant was observed in the ICSL laboratory as part of a predisposition screen in an ostensibly healthy population. It had not been previously curated by ICSL or reported in the Human Gene Mutation Database (HGMD: prior to June 1st, 2018), and was therefore a candidate for classification through an automated scoring system. Utilizing variant allele frequency, disease prevalence and penetrance estimates, and inheritance mode, an automated score was calculated to assess if this variant is too frequent to cause the disease. Based on the score and internal cut-off values, a variant classified as benign is not then subjected to further curation. The score for this variant resulted in a classification of benign for this disease.

Breakthrough Genomics
Classification: Benign. Review status: criteria provided, single submitter. Criteria: ACMG Guidelines, 2015. Collection method: not provided. Allele origin: germline. Inheritance: Autosomal dominant inheritance. Affected: yes.

NM_002148.4(HOXD10):c.*47G>T

Gene: HOXD10 (homeobox D10; plus strand). Cytogenetic location: 2q31.1.
Variant type: single nucleotide variant.
Coding change: c.*47G>T on transcript NM_002148.4 (MANE Select); 47 bases downstream of the stop codon, G replaced by T.
Molecular consequence: 3 prime UTR variant.
Genome position (GRCh38, 1-based): chr2:176,119,278, G>T. VCF-style: chr2-176119278-G-T. GRCh37 (hg19) VCF-style: chr2-176984006-G-T.
Identifiers: ClinVar variation 332492 (VCV000332492.6), dbSNP rs114746583, ClinGen allele CA1977459.